The following is an entry in ClinVar:

NM_020638.3(FGF23):c.623A>G (p.Gln208Arg)

Gene: FGF23 (fibroblast growth factor 23; minus strand). Cytogenetic location: 12p13.32.
Variant type: single nucleotide variant.
Coding change: c.623A>G on transcript NM_020638.3 (MANE Select); coding-DNA position 623, A replaced by G.
Protein change: p.Gln208Arg; replaces glutamine 208 with arginine.
Molecular consequence: missense variant.
Genome position (GRCh38, 1-based): chr12:4,370,476, T>C on the plus strand (A>G on the coding strand, the complement: FGF23 is on the minus strand). VCF-style: chr12-4370476-T-C. GRCh37 (hg19) VCF-style: chr12-4479642-T-C.
Other names: short protein forms Q208R.
Identifiers: ClinVar variation 64575 (VCV000064575.6), dbSNP rs387907425, ClinGen allele CA216433.

ClinVar aggregate classification (germline): Uncertain significance. Review status: criteria provided, single submitter (1 of 4 stars). 2 submissions from 2 submitters: Uncertain significance (1). 1 of the submissions does not count toward it. Last evaluated 2022-08-21.

Allele frequency attached by ClinVar (database versions not stated): gnomAD exomes below 0.00001; gnomAD 0.00001.
gnomAD v4.1: 4 of 1,612,230 alleles (0.00025%); highest among the groups gnomAD compares: Non-Finnish European, 0.00034%; no homozygotes.

Submissions (2):

Labcorp Genetics (formerly Invitae), Labcorp
Classification: Uncertain significance. Last evaluated: 2022-08-21. Review status: criteria provided, single submitter. Criteria: Invitae Variant Classification Sherloc (09022015). Collection method: clinical testing. Allele origin: germline.
Comment: In summary, the available evidence is currently insufficient to determine the role of this variant in disease. Therefore, it has been classified as a Variant of Uncertain Significance. Algorithms developed to predict the effect of missense changes on protein structure and function output the following: SIFT: "Tolerated"; PolyPhen-2: "Benign"; Align-GVGD: "Class C0". The arginine amino acid residue is found in multiple mammalian species, which suggests that this missense change does not adversely affect protein function. ClinVar contains an entry for this variant (Variation ID: 64575). This variant has not been reported in the literature in individuals affected with FGF23-related conditions. This variant is present in population databases (rs387907425, gnomAD 0.02%). This sequence change replaces glutamine, which is neutral and polar, with arginine, which is basic and polar, at codon 208 of the FGF23 protein (p.Gln208Arg).

Martin Pollak Laboratory,  Beth Israel Deaconess Medical Center
Classification: Uncertain significance. Review status: no assertion criteria provided. Collection method: not provided. Allele origin: unknown. Not counted in ClinVar's aggregate classification.
Comment: Lower UCa2+ group
ClinVar note: Converted during submission from unknown to Uncertain significance.